The following is an entry in ClinVar:

ClinVar aggregate classification (germline): not provided (0 of 4 stars; one submission).

Allele frequency attached by ClinVar (database versions not stated): ExAC 0.00002; gnomAD exomes 0.00004; TOPMed 0.00004; gnomAD 0.00006.
gnomAD v4.1: 94 of 1,589,988 alleles (0.0059%); highest among the groups gnomAD compares: Non-Finnish European, 0.0078%; no homozygotes.

Submission:

Human Evolutionary Genetics, Institut Pasteur
No classification provided. Review status: no classification provided. Collection method: not provided. Allele origin: germline.
ClinVar note: Converted during submission from untested to not provided.

NM_178844.4(NLRC3):c.1782G>A (p.Arg594=)

Gene: NLRC3 (NLR family CARD domain containing 3; minus strand). Cytogenetic location: 16p13.3.
Variant type: single nucleotide variant.
Coding change: c.1782G>A on transcript NM_178844.4 (MANE Select); coding-DNA position 1782, G replaced by A.
Protein change: p.Arg594=; no amino-acid change (arginine 594 retained).
Molecular consequence: synonymous variant. On other transcripts: non-coding transcript variant (1).
Genome position (GRCh38, 1-based): chr16:3,563,155, C>T on the plus strand (G>A on the coding strand, the complement: NLRC3 is on the minus strand). VCF-style: chr16-3563155-C-T. GRCh37 (hg19) VCF-style: chr16-3613156-C-T.
Identifiers: ClinVar variation 103357 (VCV000103357.2), dbSNP rs199475939, ClinGen allele CA230467.